The following is an entry in ClinVar:

ClinVar aggregate classification (germline): Likely benign (1 of 4 stars; one submission).

Conditions:
Familial thoracic aortic aneurysm and aortic dissection (TAAD). Also called: Thoracic aortic aneurysms and dissections. Identifiers: Orphanet 91387, MedGen C4707243, MONDO:0019625.

gnomAD v4.1: 1 of 1,614,146 alleles (0.000062%); highest among the groups gnomAD compares: Non-Finnish European, 0.000085%; no homozygotes.

Submission:

All of Us Research Program, National Institutes of Health
Classification: Likely benign for Familial thoracic aortic aneurysm and aortic dissection. Last evaluated: 2024-05-14. Review status: criteria provided, single submitter. Criteria: ACMG Guidelines, 2015. Collection method: clinical testing. Allele origin: germline. Inheritance: Autosomal dominant inheritance. Observed: 1 variant allele, 1 heterozygote.
Comment: This study involves interpretation of variants in research participants for the purpose of population health screening. Participant phenotype was not available at the time of variant classification. Additional details can be found in publication PMID: 35346344, PMCID: PMC8962531

NM_002474.3(MYH11):c.303G>T (p.Val101=)

Gene: MYH11 (myosin heavy chain 11; minus strand). Cytogenetic location: 16p13.11.
Variant type: single nucleotide variant.
Coding change: c.303G>T on transcript NM_002474.3 (MANE Select); coding-DNA position 303, G replaced by T.
Protein change: p.Val101=; no amino-acid change (valine 101 retained).
Molecular consequence: synonymous variant.
Genome position (GRCh38, 1-based): chr16:15,837,950, C>A on the plus strand (G>T on the coding strand, the complement: MYH11 is on the minus strand). VCF-style: chr16-15837950-C-A. GRCh37 (hg19) VCF-style: chr16-15931807-C-A.
Other names: c.303G>T, p.Val101= (NM_001040113.2, NM_001040114.2, NM_022844.3).
Identifiers: ClinVar variation 3387262 (VCV003387262.1).